The following is an entry in ClinVar:

ClinVar aggregate classification (germline): Pathogenic (1 of 4 stars; one submission).

Submission:

Labcorp Genetics (formerly Invitae), Labcorp
Classification: Pathogenic. Last evaluated: 2025-10-28. Review status: criteria provided, single submitter. Criteria: Invitae Variant Classification Sherloc (09022015). Collection method: clinical testing. Allele origin: germline.
Comment: This sequence change creates a premature translational stop signal (p.Leu36*) in the TANGO2 gene. It is expected to result in an absent or disrupted protein product. Loss-of-function variants in TANGO2 are known to be pathogenic (PMID: 26805781, 26805782). This variant is not present in population databases (gnomAD no frequency). This variant has not been reported in the literature in individuals affected with TANGO2-related conditions. For these reasons, this variant has been classified as Pathogenic.

Literature cited by the submitters: PubMed 26805781; PubMed 26805782.

NM_152906.7(TANGO2):c.107T>A (p.Leu36Ter)

Gene: TANGO2 (transport and golgi organization 2 homolog; plus strand). Cytogenetic location: 22q11.21.
Variant type: single nucleotide variant.
Coding change: c.107T>A on transcript NM_152906.7 (MANE Select); coding-DNA position 107, T replaced by A.
Protein change: p.Leu36Ter; replaces leucine 36 with a stop codon.
Molecular consequence: nonsense. On other transcripts: 5 prime UTR variant (12), non-coding transcript variant (5).
Genome position (GRCh38, 1-based): chr22:20,043,405, T>A. VCF-style: chr22-20043405-T-A. GRCh37 (hg19) VCF-style: chr22-20030928-T-A.
Other names: c.107T>A, p.Leu36Ter (NM_001283106.3, NM_001283116.3, NM_001283148.3 and 10 more transcripts); c.230T>A, p.Leu77Ter (NM_001283129.3, NM_001283215.3, NM_001322141.2 and 5 more transcripts); c.-73T>A (NM_001283235.3, NM_001322146.2, NM_001322148.2 and 9 more transcripts); short protein forms L77*, L36*.
Identifiers: ClinVar variation 4722029 (VCV004722029.1).
Genomic context (GRCh38, chr22:20,043,405, plus strand): 5'-CCTCTTGCAGGCTCATCTTGGCAGCCAACAGGGATGAATTCTACAGCCGACCCTCCAAGT[T>A]AGCTGACTTCTGGGGGAACAACAACGAGATCCTCAGTGGTGAGTCTTCCTGCGTGCTCAG-3'